The following is an entry in ClinVar:

ClinVar aggregate classification (germline): Conflicting classifications of pathogenicity. Review status: criteria provided, conflicting classifications (1 of 4 stars). 3 submissions from 3 submitters: Uncertain significance (2); Likely benign (1). Last evaluated 2024-09-17.

Conditions:
Inborn genetic diseases. Identifiers: MedGen C0950123, MeSH D030342.

gnomAD v4.1: 8 of 1,551,976 alleles (0.00052%); highest among the groups gnomAD compares: Non-Finnish European, 0.0007%; no homozygotes.

Submissions (3):

Blueprint Genetics
Classification: Likely benign. Last evaluated: 2024-09-17. Review status: criteria provided, single submitter. Criteria: ACMG Guidelines, 2015. Collection method: clinical testing. Allele origin: germline.

Ambry Genetics
Classification: Uncertain significance for Inborn genetic diseases. Last evaluated: 2021-08-13. Review status: criteria provided, single submitter. Criteria: Ambry Variant Classification Scheme 2023. Collection method: clinical testing. Allele origin: germline.
Comment: The c.7388+5A>C intronic alteration consists of a A to C substitution 5 nucleotides after exon 49 of the UNC80 gene. Based on insufficient or conflicting evidence, the clinical significance of this alteration remains unclear.

Labcorp Genetics (formerly Invitae), Labcorp
Classification: Uncertain significance. Last evaluated: 2021-05-12. Review status: criteria provided, single submitter. Criteria: Invitae Variant Classification Sherloc (09022015). Collection method: clinical testing. Allele origin: germline.
Comment: This sequence change falls in intron 49 of the UNC80 gene. It does not directly change the encoded amino acid sequence of the UNC80 protein. It affects a nucleotide within the consensus splice site of the intron. This variant is not present in population databases (ExAC no frequency). This variant has not been reported in the literature in individuals with UNC80-related conditions. Nucleotide substitutions within the consensus splice site are a relatively common cause of aberrant splicing (PMID: 17576681, 9536098). Algorithms developed to predict the effect of sequence changes on RNA splicing suggest that this variant is not likely to affect RNA splicing, but this prediction has not been confirmed by published transcriptional studies. In summary, the available evidence is currently insufficient to determine the role of this variant in disease. Therefore, it has been classified as a Variant of Uncertain Significance.

Literature cited by the submitters: PubMed 17576681 (cited by Labcorp Genetics (formerly Invitae), Labcorp); PubMed 9536098 (cited by Labcorp Genetics (formerly Invitae), Labcorp).

NM_001371986.1(UNC80):c.7586+5A>C

Gene: UNC80 (unc-80 subunit of NALCN channel complex; plus strand). Cytogenetic location: 2q34.
Variant type: single nucleotide variant.
Coding change: c.7586+5A>C on transcript NM_001371986.1 (MANE Select); 5 bases into the intron after coding-DNA position 7586, A replaced by C.
Molecular consequence: intron variant.
Genome position (GRCh38, 1-based): chr2:209,959,159, A>C. VCF-style: chr2-209959159-A-C. GRCh37 (hg19) VCF-style: chr2-210823883-A-C.
Other names: c.7388+5A>C (NM_032504.2, NM_032504.1); c.7373+5A>C (NM_182587.4).
Identifiers: ClinVar variation 1505070 (VCV001505070.8), dbSNP rs759668606, ClinGen allele CA539324725.
Genomic context (GRCh38, chr2:209,959,159, plus strand): 5'-ACTGTTTTTCTGACTCCCAGGTACCAGGAACAAGGAGCCAAACTGCACTTTATCAGGTAC[A>C]GAAAGACTTGCTCTAATTTCATACCAGTTCTGACATCTTGAGATGATTGCCTTTTAAGCT-3'